The following is an entry in ClinVar:

ClinVar aggregate classification (germline): Benign/Likely benign. Review status: criteria provided, multiple submitters, no conflicts (2 of 4 stars). 4 submissions from 4 submitters: Benign (1); Likely benign (2). 1 of the submissions does not count toward it. Last evaluated 2026-09-01.

Conditions:
BRPF1-related disorder. Also called: BRPF1-related condition.
Inborn genetic diseases. Identifiers: MedGen C0950123, MeSH D030342.

Allele frequency attached by ClinVar (database versions not stated): ExAC 0.00074; gnomAD exomes 0.00075 and 0.00175; gnomAD 0.00091 and 0.00102; TOPMed 0.00107; ESP Exome Variant Server 0.00185.
gnomAD v4.1: 2,673 of 1,613,828 alleles (0.17%); highest among the groups gnomAD compares: Non-Finnish European, 0.21%; 1 homozygote.

Submissions (4):

CeGaT Center for Human Genetics Tuebingen
Classification: Likely benign. Last evaluated: 2026-09-01. Review status: criteria provided, single submitter. Criteria: CeGaT Center For Human Genetics Tuebingen Variant Classification Criteria Version 2. Collection method: clinical testing. Allele origin: germline. Affected: yes. Observed: 3 variant alleles.
Comment: BRPF1: BP4, BS1

Ambry Genetics
Classification: Benign for Inborn genetic diseases. Last evaluated: 2021-12-07. Review status: criteria provided, single submitter. Criteria: Ambry Variant Classification Scheme 2023. Collection method: clinical testing. Allele origin: germline.

Labcorp Genetics (formerly Invitae), Labcorp
Classification: Likely benign. Last evaluated: 2019-12-31. Review status: criteria provided, single submitter. Criteria: Invitae Variant Classification Sherloc (09022015). Collection method: clinical testing. Allele origin: germline.

PreventionGenetics, part of Exact Sciences
Classification: Likely benign for BRPF1-related condition. Last evaluated: 2019-08-22. Review status: no assertion criteria provided. Collection method: clinical testing. Allele origin: germline. Not counted in ClinVar's aggregate classification.
Comment: This variant is classified as likely benign based on ACMG/AMP sequence variant interpretation guidelines (Richards et al. 2015 PMID: 25741868, with internal and published modifications).

NM_001003694.2(BRPF1):c.3069-4A>T

Gene: BRPF1 (bromodomain and PHD finger containing 1; plus strand). Cytogenetic location: 3p25.3.
Variant type: single nucleotide variant.
Coding change: c.3069-4A>T on transcript NM_001003694.2 (MANE Select); 4 bases into the intron before coding-DNA position 3069, A replaced by T.
Molecular consequence: intron variant.
Genome position (GRCh38, 1-based): chr3:9,745,569, A>T. VCF-style: chr3-9745569-A-T. GRCh37 (hg19) VCF-style: chr3-9787253-A-T.
Other names: c.3051-4A>T (NM_004634.3); c.2766-4A>T (NM_001319049.2); c.3048-4A>T (NM_001319050.2).
Identifiers: ClinVar variation 732423 (VCV000732423.31), dbSNP rs199603306, ClinGen allele CA2242295.
Genomic context (GRCh38, chr3:9,745,569, plus strand): 5'-ACATACCATGCTGTTCCCCATTCTTCCCCTCCTTTGAGCTGAGCTCCCATTGTCTTGTCC[A>T]CAGCACAACGCCCTCAAAACAAGGCCGGGGCAAACCCTCCTTCTCTCGGGGCACTTTCCC-3'